The following is an entry in ClinVar:

ClinVar aggregate classification (germline): Uncertain significance (1 of 4 stars; one submission).

Submission:

GeneDx
Classification: Uncertain significance. Last evaluated: 2024-09-06. Review status: criteria provided, single submitter. Criteria: GeneDx Variant Classification Process June 2021. Collection method: clinical testing. Allele origin: germline. Affected: yes.
Comment: Not observed at significant frequency in large population cohorts (gnomAD); In silico analysis supports that this missense variant has a deleterious effect on protein structure/function; Has not been previously published as pathogenic or benign to our knowledge

NM_032229.3(SLITRK6):c.773T>C (p.Leu258Pro)

Gene: SLITRK6 (SLIT and NTRK like family member 6; minus strand). Cytogenetic location: 13q31.1.
Variant type: single nucleotide variant.
Coding change: c.773T>C on transcript NM_032229.3 (MANE Select); coding-DNA position 773, T replaced by C.
Protein change: p.Leu258Pro; replaces leucine 258 with proline.
Molecular consequence: missense variant.
Genome position (GRCh38, 1-based): chr13:85,795,736, A>G on the plus strand (T>C on the coding strand, the complement: SLITRK6 is on the minus strand). VCF-style: chr13-85795736-A-G. GRCh37 (hg19) VCF-style: chr13-86369871-A-G.
Other names: short protein forms L258P.
Identifiers: ClinVar variation 3767726 (VCV003767726.1).